The following is an entry in ClinVar:

ClinVar aggregate classification (germline): Uncertain significance (1 of 4 stars; one submission).

Conditions:
RYR1-related disorder. Also called: RYR1-related disorders; RYR1-related condition. Identifiers: MedGen CN239331.

Submission:

Labcorp Genetics (formerly Invitae), Labcorp
Classification: Uncertain significance for RYR1-related disorder. Last evaluated: 2019-11-13. Review status: criteria provided, single submitter. Criteria: Invitae Variant Classification Sherloc (09022015). Collection method: clinical testing. Allele origin: germline.
Comment: Algorithms developed to predict the effect of missense changes on protein structure and function are either unavailable or do not agree on the potential impact of this missense change (SIFT: "Deleterious"; PolyPhen-2: "Benign"; Align-GVGD: "Class C0"). In summary, the available evidence is currently insufficient to determine the role of this variant in disease. Therefore, it has been classified as a Variant of Uncertain Significance. This variant has not been reported in the literature in individuals with RYR1-related conditions. This variant is not present in population databases (ExAC no frequency). This sequence change replaces isoleucine with asparagine at codon 3441 of the RYR1 protein (p.Ile3441Asn). The isoleucine residue is moderately conserved and there is a large physicochemical difference between isoleucine and asparagine.

NM_000540.3(RYR1):c.10322T>A (p.Ile3441Asn)

Gene: RYR1 (ryanodine receptor 1; plus strand). Cytogenetic location: 19q13.2.
Variant type: single nucleotide variant.
Coding change: c.10322T>A on transcript NM_000540.3 (MANE Select); coding-DNA position 10322, T replaced by A.
Protein change: p.Ile3441Asn; replaces isoleucine 3441 with asparagine.
Molecular consequence: missense variant.
Genome position (GRCh38, 1-based): chr19:38,523,090, T>A. VCF-style: chr19-38523090-T-A. GRCh37 (hg19) VCF-style: chr19-39013730-T-A.
Other names: c.10322T>A, p.Ile3441Asn (NM_001042723.2); short protein forms I3441N.
Identifiers: ClinVar variation 966940 (VCV000966940.9), dbSNP rs1971294994, ClinGen allele CA405698894.